The following is an entry in ClinVar:

ClinVar aggregate classification (germline): Uncertain significance. Review status: criteria provided, multiple submitters, no conflicts (2 of 4 stars). 2 submissions from 2 submitters: Uncertain significance (2). Last evaluated 2022-08-16.

Conditions:
Inborn genetic diseases. Identifiers: MedGen C0950123, MeSH D030342.

Allele frequency attached by ClinVar (database versions not stated): TOPMed 0.00001; ExAC 0.00002.

Submissions (2):

Labcorp Genetics (formerly Invitae), Labcorp
Classification: Uncertain significance. Last evaluated: 2022-08-16. Review status: criteria provided, single submitter. Criteria: Invitae Variant Classification Sherloc (09022015). Collection method: clinical testing. Allele origin: germline.
Comment: This sequence change replaces alanine, which is neutral and non-polar, with valine, which is neutral and non-polar, at codon 201 of the ADCY5 protein (p.Ala201Val). The frequency data for this variant in the population databases is considered unreliable, as metrics indicate poor data quality at this position in the gnomAD database. This variant has not been reported in the literature in individuals affected with ADCY5-related conditions. ClinVar contains an entry for this variant (Variation ID: 1346447). Advanced modeling of protein sequence and biophysical properties (such as structural, functional, and spatial information, amino acid conservation, physicochemical variation, residue mobility, and thermodynamic stability) performed at Invitae indicates that this missense variant is not expected to disrupt ADCY5 protein function. In summary, the available evidence is currently insufficient to determine the role of this variant in disease. Therefore, it has been classified as a Variant of Uncertain Significance.

Ambry Genetics
Classification: Uncertain significance for Inborn genetic diseases. Last evaluated: 2021-09-17. Review status: criteria provided, single submitter. Criteria: Ambry Variant Classification Scheme 2023. Collection method: clinical testing. Allele origin: germline.

NM_183357.3(ADCY5):c.602C>T (p.Ala201Val)

Gene: ADCY5 (adenylate cyclase 5; minus strand). Cytogenetic location: 3q21.1.
Variant type: single nucleotide variant.
Coding change: c.602C>T on transcript NM_183357.3 (MANE Select); coding-DNA position 602, C replaced by T.
Protein change: p.Ala201Val; replaces alanine 201 with valine.
Molecular consequence: missense variant.
Genome position (GRCh38, 1-based): chr3:123,447,944, G>A on the plus strand (C>T on the coding strand, the complement: ADCY5 is on the minus strand). VCF-style: chr3-123447944-G-A. GRCh37 (hg19) VCF-style: chr3-123166791-G-A.
Other names: c.602C>T (NM_183357.2); c.602C>T, p.Ala201Val (NM_001378259.1); short protein forms A201V.
Identifiers: ClinVar variation 1346447 (VCV001346447.9), dbSNP rs765913842, ClinGen allele CA2577675.